The following is an entry in ClinVar:

ClinVar aggregate classification (germline): Uncertain significance (1 of 4 stars; one submission).

Conditions:
Ellis-van Creveld syndrome (EVC). Also called: Chondroectodermal dysplasia; MESOECTODERMAL DYSPLASIA. Identifiers: Orphanet 289, MedGen C0013903, MONDO:0009162, OMIM 225500.
Curry-Hall syndrome (WAD). Also called: WEYERS ACRODENTAL DYSOSTOSIS. Identifiers: Orphanet 952, MedGen C0457013, MONDO:0008673, OMIM 193530.

Submission:

Juno Genomics, Hangzhou Juno Genomics, Inc
Classification: Uncertain significance for Curry-Hall syndrome; Ellis-van Creveld syndrome. Review status: criteria provided, single submitter. Criteria: ACMG Guidelines, 2015. Collection method: clinical testing. Allele origin: germline.
Comment: Protein length changes due to in-frame deletions/insertions in a non-repeat region or stop-loss variants.;Absent from controls (or at extremely low frequency if recessive) in Genome Aggregation Database.

NM_153717.3(EVC):c.474CAG[1] (p.Ser160del)

Gene: EVC (EvC ciliary complex subunit 1; plus strand). Cytogenetic location: 4p16.2.
Variant type: Microsatellite.
Coding change: c.474CAG[1] on transcript NM_153717.3 (MANE Select); one copy of the 3-base unit CAG starting at c.474; the reference has two copies in a row; one copy, 3 bases deleted; also written c.477_479del.
Protein change: p.Ser160del; deletes serine 160.
Molecular consequence: inframe deletion.
Genome position (GRCh38, 1-based): chr4:5,731,517-5,731,519, CAG deleted; deleting any 3 consecutive bases within chr4:5,731,514-5,731,519 gives the same sequence; the position shown is the placement nearest the transcript's 3' end. VCF-style (leftmost placement, unchanged base first): chr4-5731513-CCAG-C. GRCh37 (hg19) VCF-style: chr4-5733240-CCAG-C.
Other names: c.477_479del (NM_153717.3); c.474CAG[1], p.Ser160del (NM_001306090.2, NM_001306092.2); short protein forms S160del.
Identifiers: ClinVar variation 5006786 (VCV005006786.2).